The following is an entry in ClinVar:

NM_006231.4(POLE):c.2540G>A (p.Arg847Gln)

Gene: POLE (DNA polymerase epsilon, catalytic subunit; minus strand). Cytogenetic location: 12q24.33.
Variant type: single nucleotide variant.
Coding change: c.2540G>A on transcript NM_006231.4 (MANE Select); coding-DNA position 2540, G replaced by A.
Protein change: p.Arg847Gln; replaces arginine 847 with glutamine.
Molecular consequence: missense variant.
Genome position (GRCh38, 1-based): chr12:132,664,391, C>T on the plus strand (G>A on the coding strand, the complement: POLE is on the minus strand). VCF-style: chr12-132664391-C-T. GRCh37 (hg19) VCF-style: chr12-133240977-C-T.
Other names: short protein forms R847Q.
Identifiers: ClinVar variation 473537 (VCV000473537.27), dbSNP rs534297483, ClinGen allele CA6893521.

ClinVar aggregate classification (germline): Conflicting classifications of pathogenicity. Review status: criteria provided, conflicting classifications (1 of 4 stars). 7 submissions from 7 submitters: Uncertain significance (4); Likely benign (3). Last evaluated 2026-03-20.

Conditions:
Colorectal cancer, susceptibility to, 12 (CRCS12). Also called: COLORECTAL CANCER, SUSCEPTIBILITY TO, ON CHROMOSOME 12q24. Identifiers: Orphanet 220460, MedGen C3554460, MONDO:0014038, OMIM 615083.
Intrauterine growth retardation, metaphyseal dysplasia, adrenal hypoplasia congenita, genital anomalies, and immunodeficiency. Also called: IMAGEI SYNDROME. Identifiers: MedGen C5193036, MONDO:0032684, OMIM 618336.
Facial dysmorphism-immunodeficiency-livedo-short stature syndrome. Also called: FILS syndrome; Facial dysmorphism, immunodeficiency, livedo, and short stature. Identifiers: Orphanet 352712, MedGen C3554576, MONDO:0014058, OMIM 615139.
Hereditary cancer-predisposing syndrome. Also called: Tumor predisposition; Hereditary neoplastic syndrome; Hereditary Cancer Syndrome; Neoplastic Syndromes, Hereditary. Identifiers: Orphanet 140162, MedGen C0027672, MeSH D009386, MONDO:0015356.

Allele frequency attached by ClinVar (database versions not stated): gnomAD 0.00001 and 0.00003; gnomAD exomes 0.00002 and 0.00010; TOPMed 0.00004; ExAC 0.00009; 1000 Genomes Project 30x 0.00031; 1000 Genomes Project 0.00040.
gnomAD v4.1: 38 of 1,613,942 alleles (0.0024%); highest among the groups gnomAD compares: East Asian, 0.074%; no homozygotes.

Submissions (7):

Women's Health and Genetics/Laboratory Corporation of America, LabCorp
Classification: Uncertain significance. Last evaluated: 2026-03-20. Review status: criteria provided, single submitter. Criteria: LabCorp Variant Classification Summary - May 2015. Collection method: clinical testing. Allele origin: germline.
Comment: Variant summary: POLE c.2540G>A (p.Arg847Gln) results in a conservative amino acid change in the encoded protein sequence. Algorithms developed to predict the effect of missense changes on protein structure and function are either unavailable or do not agree on the potential impact of this missense change. The variant allele was found at a frequency of 9.9e-05 in 251366 control chromosomes. This frequency is not significantly higher than estimated for disease-causing variants in POLE, allowing no conclusion about variant significance. c.2540G>A has been observed in individuals affected with leiomyosarcoma or breast cancer, without strong evidence for causality (Chan_2017, Chen_2020). These reports do not provide unequivocal conclusions about association of the variant with POLE-related conditions. To our knowledge, no experimental evidence demonstrating an impact on protein function has been reported. The following publications have been ascertained in the context of this evaluation (PMID: 28878254, 32091409). ClinVar contains an entry for this variant (Variation ID: 473537). Based on the evidence outlined above, the variant was classified as uncertain significance.

Labcorp Genetics (formerly Invitae), Labcorp
Classification: Likely benign. Last evaluated: 2026-01-30. Review status: criteria provided, single submitter. Criteria: Invitae Variant Classification Sherloc (09022015). Collection method: clinical testing. Allele origin: germline.

Ambry Genetics
Classification: Likely benign for Hereditary cancer-predisposing syndrome. Last evaluated: 2024-07-08. Review status: criteria provided, single submitter. Criteria: Ambry Variant Classification Scheme 2023. Collection method: clinical testing. Allele origin: germline.

GeneDx
Classification: Uncertain significance. Last evaluated: 2024-05-22. Review status: criteria provided, single submitter. Criteria: GeneDx Variant Classification Process June 2021. Collection method: clinical testing. Allele origin: germline. Affected: yes.
Comment: In silico analysis supports that this missense variant has a deleterious effect on protein structure/function; Observed in an individual with leiomyosarcoma (PMID: 28878254); This variant is associated with the following publications: (PMID: 24807215, 20951805, 28878254, 38201563, 35534704)

Blueprint Genetics
Classification: Uncertain significance. Last evaluated: 2023-02-24. Review status: criteria provided, single submitter. Criteria: ACMG Guidelines, 2015. Collection method: clinical testing. Allele origin: germline.

Department of Pathology and Laboratory Medicine, Sinai Health System
Classification: Uncertain significance for Colorectal cancer, susceptibility to, 12; Facial dysmorphism-immunodeficiency-livedo-short stature syndrome; Intrauterine growth retardation, metaphyseal dysplasia, adrenal hypoplasia congenita, genital anomalies, and immunodeficiency. Last evaluated: 2021-07-30. Review status: criteria provided, single submitter. Criteria: ACMG Guidelines, 2015. Collection method: research. Allele origin: germline.

Sema4
Classification: Likely benign for Hereditary cancer-predisposing syndrome. Last evaluated: 2020-12-09. Review status: criteria provided, single submitter. Criteria: Sema4 Curation Guidelines. Collection method: curation. Allele origin: germline.

Literature cited by the submitters: PubMed 28878254 (cited by Women's Health and Genetics/Laboratory Corporation of America, LabCorp); PubMed 32091409 (cited by Women's Health and Genetics/Laboratory Corporation of America, LabCorp).